The following is an entry in ClinVar:

NM_001999.4(FBN2):c.3298T>A (p.Cys1100Ser)

Gene: FBN2 (fibrillin 2; minus strand). Cytogenetic location: 5q23.3.
Variant type: single nucleotide variant.
Coding change: c.3298T>A on transcript NM_001999.4 (MANE Select); coding-DNA position 3298, T replaced by A.
Protein change: p.Cys1100Ser; replaces cysteine 1100 with serine.
Molecular consequence: missense variant.
Genome position (GRCh38, 1-based): chr5:128,344,430, A>T on the plus strand (T>A on the coding strand, the complement: FBN2 is on the minus strand). VCF-style: chr5-128344430-A-T. GRCh37 (hg19) VCF-style: chr5-127680122-A-T.
Other names: short protein forms C1100S.
Identifiers: ClinVar variation 1493488 (VCV001493488.8), dbSNP rs2126912100, ClinGen allele CA360761946.
Genomic context (GRCh38, chr5:128,344,430, plus strand): 5'-GCAGAACCATCTTACCCGTGCAGTTTCTTTCCTCCATGTCTAGAGCAAAGCCACTATTGC[A>T]ACGGCATTTGAAGCTTCCGATTGTATTTCTGCACTTCCCATAAGTGCACATCCCAGGAAA-3'
Protein context (NP_001990.2, residues 1090-1110): RNTIGSFKCR[Cys1100Ser]NSGFALDMEE

ClinVar aggregate classification (germline): Likely pathogenic (1 of 4 stars; one submission).

Conditions:
Congenital contractural arachnodactyly (CCA). Also called: BEALS SYNDROME; Beals-Hecht syndrome; Arthrogryposis, distal, type 9. Identifiers: Orphanet 115, MedGen C0220668, MONDO:0007363, OMIM 121050.

Submission:

Labcorp Genetics (formerly Invitae), Labcorp
Classification: Likely pathogenic for Congenital contractural arachnodactyly. Last evaluated: 2021-07-22. Review status: criteria provided, single submitter. Criteria: Invitae Variant Classification Sherloc (09022015). Collection method: clinical testing. Allele origin: germline.
Comment: This variant has been observed in individual(s) with clinical features of FBN2-related conditions (Invitae). In summary, the currently available evidence indicates that the variant is pathogenic, but additional data are needed to prove that conclusively. Therefore, this variant has been classified as Likely Pathogenic. This variant affects a cysteine residue located within an epidermal growth factor (EGF)–like domain of the FBN2 protein. Cysteine residues in these domains are involved in the formation of disulfide bridges critical for protein structure and stability (PMID: 3495735, 4750422, 16677079). In addition, missense substitutions within the FBN2 EGF-like domains affecting cysteine residues are overrepresented in patients with congenital contractural arachnodactyly (PMID: 18767143). Advanced modeling of protein sequence and biophysical properties (such as structural, functional, and spatial information, amino acid conservation, physicochemical variation, residue mobility, and thermodynamic stability) performed at Invitae indicates that this missense variant is expected to disrupt FBN2 protein function. This variant is not present in population databases (ExAC no frequency). This sequence change replaces cysteine with serine at codon 1100 of the FBN2 protein (p.Cys1100Ser). The cysteine residue is moderately conserved and there is a moderate physicochemical difference between cysteine and serine.

Literature cited by the submitters: PubMed 3495735; PubMed 4750422; PubMed 16677079; PubMed 18767143.